The following is an entry in ClinVar:

NM_001099922.3(ALG13):c.1474C>G (p.Gln492Glu)

Gene: ALG13 (ALG13 UDP-N-acetylglucosaminyltransferase subunit; plus strand). Cytogenetic location: Xq23.
Variant type: single nucleotide variant.
Coding change: c.1474C>G on transcript NM_001099922.3 (MANE Select); coding-DNA position 1474, C replaced by G.
Protein change: p.Gln492Glu; replaces glutamine 492 with glutamic acid.
Molecular consequence: missense variant. On other transcripts: intron variant (1).
Genome position (GRCh38, 1-based): chrX:111,722,831, C>G. VCF-style: chrX-111722831-C-G. GRCh37 (hg19) VCF-style: chrX-110966059-C-G.
Other names: c.1162C>G, p.Gln388Glu (NM_001257230.2, NM_001257234.2, NM_001257237.2); c.1240C>G, p.Gln414Glu (NM_001257231.2); c.1474C>G, p.Gln492Glu (NM_001324292.2); c.1015-967C>G (NM_001324293.1); short protein forms Q388E, Q414E, Q492E.
Identifiers: ClinVar variation 2108871 (VCV002108871.5), dbSNP rs2525840962, ClinGen allele CA414251782.
Genomic context (GRCh38, chrX:111,722,831, plus strand): 5'-AATCTTCATTTTCTTTTAATAGAACTTCAAAAATCTGATTACATGGAGTATGCTGGGAGA[C>G]AGTACTATTTGGGAGACAAGTGTCAGGTTAGTTCCTTCTTCAAGAATCAGTAATTTTTTT-3'
Protein context (NP_001093392.1, residues 482-502): KSDYMEYAGR[Gln492Glu]YYLGDKCQVC

ClinVar aggregate classification (germline): Uncertain significance. Review status: criteria provided, multiple submitters, no conflicts (2 of 4 stars). 2 submissions from 2 submitters: Uncertain significance (2). Last evaluated 2024-04-11.

Conditions:
Developmental and epileptic encephalopathy, 36 (DEE36). Also called: Congenital disorder of glycosylation, type Is; ALG13-CDG; Epileptic encephalopathy, early infantile, 36. Identifiers: Orphanet 324422, MedGen C4317295, MONDO:0010472, OMIM 300884.

Allele frequency attached by ClinVar (database versions not stated): gnomAD exomes below 0.00001.
gnomAD v4.1: 2 of 1,200,665 alleles (0.00017%); highest among the groups gnomAD compares: Non-Finnish European, 0.00023%; no homozygotes.

Submissions (2):

GeneDx
Classification: Uncertain significance. Last evaluated: 2024-04-11. Review status: criteria provided, single submitter. Criteria: GeneDx Variant Classification Process June 2021. Collection method: clinical testing. Allele origin: germline. Affected: yes.
Comment: Not observed at significant frequency in large population cohorts (gnomAD); In silico analysis supports that this missense variant has a deleterious effect on protein structure/function; Has not been previously published as pathogenic or benign to our knowledge

Labcorp Genetics (formerly Invitae), Labcorp
Classification: Uncertain significance for Developmental and epileptic encephalopathy, 36. Last evaluated: 2023-03-14. Review status: criteria provided, single submitter. Criteria: Invitae Variant Classification Sherloc (09022015). Collection method: clinical testing. Allele origin: germline.
Comment: This variant has not been reported in the literature in individuals affected with ALG13-related conditions. In summary, the available evidence is currently insufficient to determine the role of this variant in disease. Therefore, it has been classified as a Variant of Uncertain Significance. Advanced modeling of protein sequence and biophysical properties (such as structural, functional, and spatial information, amino acid conservation, physicochemical variation, residue mobility, and thermodynamic stability) performed at Invitae indicates that this missense variant is not expected to disrupt ALG13 protein function. ClinVar contains an entry for this variant (Variation ID: 2108871). This variant is not present in population databases (gnomAD no frequency). This sequence change replaces glutamine, which is neutral and polar, with glutamic acid, which is acidic and polar, at codon 492 of the ALG13 protein (p.Gln492Glu).